The following is an entry in ClinVar:

ClinVar aggregate classification (germline): Uncertain significance (1 of 4 stars; one submission).

Conditions:
Hereditary cancer-predisposing syndrome. Also called: Neoplastic Syndromes, Hereditary; Tumor predisposition; Hereditary neoplastic syndrome; Hereditary Cancer Syndrome. Identifiers: Orphanet 140162, MedGen C0027672, MeSH D009386, MONDO:0015356.

Submission:

Ambry Genetics
Classification: Uncertain significance for Hereditary cancer-predisposing syndrome. Last evaluated: 2024-01-18. Review status: criteria provided, single submitter. Criteria: Ambry Variant Classification Scheme 2023. Collection method: clinical testing. Allele origin: germline.
Comment: The p.G720V variant (also known as c.2159G>T), located in coding exon 12 of the PMS2 gene, results from a G to T substitution at nucleotide position 2159. The glycine at codon 720 is replaced by valine, an amino acid with dissimilar properties. This amino acid position is not well conserved in available vertebrate species. In addition, the in silico prediction for this alteration is inconclusive. Based on the available evidence, the clinical significance of this alteration remains unclear.

NM_000535.7(PMS2):c.2159G>T (p.Gly720Val)

Gene: PMS2 (PMS1 homolog 2, mismatch repair system component; minus strand). Cytogenetic location: 7p22.1.
Variant type: single nucleotide variant.
Coding change: c.2159G>T on transcript NM_000535.7 (MANE Select); coding-DNA position 2159, G replaced by T.
Protein change: p.Gly720Val; replaces glycine 720 with valine.
Molecular consequence: missense variant. On other transcripts: non-coding transcript variant (1), intron variant (4).
Genome position (GRCh38, 1-based): chr7:5,982,839, C>A on the plus strand (G>T on the coding strand, the complement: PMS2 is on the minus strand). VCF-style: chr7-5982839-C-A. GRCh37 (hg19) VCF-style: chr7-6022470-C-A.
Other names: c.2051G>T, p.Gly684Val (NM_001406869.1); c.2003G>T, p.Gly668Val (NM_001406870.1, NM_001322006.2); c.1850G>T, p.Gly617Val (NM_001406877.1, NM_001406878.1, NM_001406875.1 and 5 more transcripts); c.2159G>T, p.Gly720Val (NM_001406871.1, NM_001322014.2); c.1961G>T, p.Gly654Val (NM_001406873.1); c.1991G>T, p.Gly664Val (NM_001406874.1); c.1841G>T, p.Gly614Val (NM_001406876.1, NM_001322007.2, NM_001322008.2 and 1 more transcripts); c.956G>T, p.Gly319Val (NM_001406912.1); and 16 more; short protein forms G319V, G409V, G463V, G529V, G533V, G549V, G562V, G565V.
Identifiers: ClinVar variation 3232003 (VCV003232003.1), dbSNP rs2128702406, ClinGen allele CA366737869.